The following is an entry in ClinVar:

ClinVar aggregate classification (germline): Uncertain significance. Review status: criteria provided, single submitter (1 of 4 stars). 2 submissions from 2 submitters: Uncertain significance (1). 1 of the submissions does not count toward it. Last evaluated 2022-07-19.

Conditions:
Nemaline myopathy 2 (NEM2). Also called: Nemaline myopathy 2, autosomal recessive. Identifiers: MedGen C1850569, MONDO:0009725, OMIM 256030.

Allele frequency attached by ClinVar (database versions not stated): gnomAD exomes below 0.00001.
gnomAD v4.1: 3 of 1,613,920 alleles (0.00019%); highest among the groups gnomAD compares: Middle Eastern, 0.016%; no homozygotes.

Submissions (2):

Labcorp Genetics (formerly Invitae), Labcorp
Classification: Uncertain significance for Nemaline myopathy 2. Last evaluated: 2022-07-19. Review status: criteria provided, single submitter. Criteria: Invitae Variant Classification Sherloc (09022015). Collection method: clinical testing. Allele origin: germline.
Comment: This sequence change replaces glutamic acid, which is acidic and polar, with aspartic acid, which is acidic and polar, at codon 2831 of the NEB protein (p.Glu2831Asp). This variant is not present in population databases (gnomAD no frequency). This variant has not been reported in the literature in individuals affected with NEB-related conditions. ClinVar contains an entry for this variant (Variation ID: 990136). Algorithms developed to predict the effect of missense changes on protein structure and function are either unavailable or do not agree on the potential impact of this missense change (SIFT: "Deleterious"; PolyPhen-2: "Not Available"; Align-GVGD: "Class C0"). In summary, the available evidence is currently insufficient to determine the role of this variant in disease. Therefore, it has been classified as a Variant of Uncertain Significance.

Natera, Inc.
Classification: Uncertain significance for Nemaline myopathy type 2. Last evaluated: 2020-08-13. Review status: no assertion criteria provided. Collection method: clinical testing. Allele origin: germline. Not counted in ClinVar's aggregate classification.

NM_001164508.2(NEB):c.8493G>T (p.Glu2831Asp)

Gene: NEB (nebulin; minus strand). Cytogenetic location: 2q23.3.
Variant type: single nucleotide variant.
Coding change: c.8493G>T on transcript NM_001164508.2 (MANE Select); coding-DNA position 8493, G replaced by T.
Protein change: p.Glu2831Asp; replaces glutamic acid 2831 with aspartic acid.
Molecular consequence: missense variant.
Genome position (GRCh38, 1-based): chr2:151,640,547, C>A on the plus strand (G>T on the coding strand, the complement: NEB is on the minus strand). VCF-style: chr2-151640547-C-A. GRCh37 (hg19) VCF-style: chr2-152497061-C-A.
Other names: c.8493G>T, p.Glu2831Asp (NM_001271208.2, NM_001164507.2, NM_004543.5); short protein forms E2831D.
Identifiers: ClinVar variation 990136 (VCV000990136.3), dbSNP rs2098833761, ClinGen allele CA348810946.